The following is an entry in ClinVar:

ClinVar aggregate classification (germline): Pathogenic; other. Review status: no assertion criteria provided (0 of 4 stars). 2 submissions from 2 submitters: Pathogenic (1). Last evaluated 2016-05-01.
ClinVar aggregate classification (somatic clinical impact): Tier I - Strong. Review status: criteria provided, single submitter (1 of 4 stars). 2 submissions from 1 submitter. Last evaluated 2025-07-16.
ClinVar aggregate classification (oncogenicity): Oncogenic (1 of 4 stars; one submission).

Conditions:
Nephroblastoma. Also called: Wilms' tumor; Wilms tumor. Identifiers: Orphanet 654, MedGen C0027708, MeSH D009396, MONDO:0006058, HP:0002667.
Carcinoma of colon (CRC). Also called: Colonic carcinoma; Colon carcinoma. Identifiers: MedGen C0699790, MONDO:0002032.
Adrenal cortex carcinoma. Also called: Adrenocortical carcinoma. Identifiers: Orphanet 1501, MedGen C0206686, MeSH D018268, MONDO:0006639, HP:0006744.
Embryonal rhabdomyosarcoma (ERMS). Also called: Botryoid rhabdomyosarcoma (type of ERMS); Spindle cell rhabdomyosarcomas (type of ERMS). Identifiers: Orphanet 99757, MedGen C0206656, MONDO:0009993, HP:0006743.
Neoplasm. Also called: Neoplasms; Neoplasm (disease); tumor. Identifiers: MedGen C0027651, MeSH D009369, MONDO:0005070, HP:0002664.

Submissions (5):

Institute for Genomic Medicine (IGM) Clinical Laboratory, Nationwide Children's Hospital
Classification: Tier I - Strong for Adrenal cortex carcinoma. Assertion type: diagnostic. Clinical significance: supports diagnosis. Last evaluated: 2025-07-16. Review status: criteria provided, single submitter. Criteria: AMP/ASCO/CAP Guidelines, 2017. Collection method: clinical testing. Allele origin: somatic. Affected: yes.
Comment: Variant has Tier I (strong) clinical significance as a diagnostic inclusion criterion in adrenal cortex carcinoma, based on the following evidence: 1) Documented in one or more cancer databases (e.g., St. Jude Pecan, COSMIC, CIViC, OncoKB). 2) Appears in one or more well-established professional guidelines (e.g., World Health Organization [WHO]; National Comprehensive Cancer Network [NCCN]) as providing diagnostic, prognostic, or therapeutic information. 3) Information in the literature supports potential biologic effect of variant (PMIDs: 29435196, 30699286). 4) Diagnostic for a specific tumor type/classification based on well-powered studies with expert-level consensus (Evidence Level B; PMIDs: 16140927, 25743702, 27165744, 25490274, 24747642, 38917236, 34410225).

Center for Genomic Medicine, Rigshospitalet, Copenhagen University Hospital
Classification: Oncogenic for Neoplasm. Last evaluated: 2025-03-04. Review status: criteria provided, single submitter. Criteria: ClinGen/CGC/VICC Guidelines for Oncogenicity, 2022. Collection method: clinical testing. Allele origin: somatic. Affected: yes.

Institute for Genomic Medicine (IGM) Clinical Laboratory, Nationwide Children's Hospital
Classification: Tier I - Strong for Embryonal rhabdomyosarcoma. Assertion type: diagnostic. Clinical significance: supports diagnosis. Last evaluated: 2023-07-27. Review status: criteria provided, single submitter. Criteria: AMP/ASCO/CAP Guidelines, 2017. Collection method: clinical testing. Allele origin: somatic. Affected: yes.
Comment: Variant has Tier I (strong) clinical significance as a diagnostic inclusion criterion in embryonal rhabdomyosarcoma, based on the following evidence: 1) Documented in one or more cancer databases (e.g., St. Jude Pecan, COSMIC, CIViC, OncoKB). 2) Appears in one or more well-established professional guidelines (e.g., World Health Organization [WHO]; National Comprehensive Cancer Network [NCCN]) as providing diagnostic, prognostic, or therapeutic information. 3) Information in the literature supports potential biologic effect of variant (PMID: 9065402). 4) Diagnostic for a specific tumor type/classification based on well-powered studies with expert-level consensus (Evidence Level B; PMIDs: 24436047, 24332040, 22142829).

Donald Williams Parsons Laboratory, Baylor College of Medicine
Classification: other for WILMS TUMOR. Last evaluated: 2016-05-01. Review status: no assertion criteria provided. Collection method: clinical testing. Allele origin: somatic. Inheritance: Somatic mutation. Affected: yes. Study: CSER-BASIC3.

OMIM
Classification: Pathogenic for COLORECTAL CANCER, SOMATIC. Last evaluated: 1997-03-21. Review status: no assertion criteria provided. Collection method: literature only. Allele origin: somatic.

Literature cited by the submitters: PubMed 29435196 (cited by Institute for Genomic Medicine (IGM) Clinical Laboratory, Nationwide Children's Hospital); PubMed 30699286 (cited by Institute for Genomic Medicine (IGM) Clinical Laboratory, Nationwide Children's Hospital); PubMed 16140927 (cited by Institute for Genomic Medicine (IGM) Clinical Laboratory, Nationwide Children's Hospital); PubMed 25743702 (cited by Institute for Genomic Medicine (IGM) Clinical Laboratory, Nationwide Children's Hospital); PubMed 27165744 (cited by Institute for Genomic Medicine (IGM) Clinical Laboratory, Nationwide Children's Hospital); PubMed 25490274 (cited by Institute for Genomic Medicine (IGM) Clinical Laboratory, Nationwide Children's Hospital); PubMed 24747642 (cited by Institute for Genomic Medicine (IGM) Clinical Laboratory, Nationwide Children's Hospital); PubMed 38917236 (cited by Institute for Genomic Medicine (IGM) Clinical Laboratory, Nationwide Children's Hospital); PubMed 34410225 (cited by Institute for Genomic Medicine (IGM) Clinical Laboratory, Nationwide Children's Hospital); PubMed 9065402 (cited by 3 submitters); PubMed 21084400 (cited by Center for Genomic Medicine, Rigshospitalet, Copenhagen University Hospital); PubMed 24436047 (cited by Institute for Genomic Medicine (IGM) Clinical Laboratory, Nationwide Children's Hospital); PubMed 24332040 (cited by Institute for Genomic Medicine (IGM) Clinical Laboratory, Nationwide Children's Hospital); PubMed 22142829 (cited by Institute for Genomic Medicine (IGM) Clinical Laboratory, Nationwide Children's Hospital); PubMed 26822237 (cited by Donald Williams Parsons Laboratory, Baylor College of Medicine).

NM_001904.4(CTNNB1):c.133_135del (p.Ser45del)

Genes: CTNNB1 (catenin beta 1; plus strand), LOC126806658 (BRD4-independent group 4 enhancer GRCh37_chr3:41265899-41267098; plus strand). Cytogenetic location: 3p22.1.
Variant type: Deletion.
Coding change: c.133_135del on transcript NM_001904.4 (MANE Select); coding-DNA positions 133 to 135, 3 bases deleted (TCT; older notation c.133_135delTCT).
Protein change: p.Ser45del; deletes serine 45.
Molecular consequence: inframe deletion.
Genome position (GRCh38, 1-based): chr3:41,224,645-41,224,647, TCT deleted; deleting any 3 consecutive bases within chr3:41,224,643-41,224,647 gives the same sequence; the c. name uses the placement nearest the transcript's 3' end. VCF-style (leftmost placement, unchanged base first): chr3-41224642-CCTT-C. GRCh37 (hg19) VCF-style: chr3-41266133-CCTT-C.
Other names: CTNNB1, 3-BP DEL, SER45DEL; c.133_135del, p.Ser45del (NM_001098209.2, NM_001098210.2); c.112_114del, p.Ser38del (NM_001330729.2); c.133_135delTCT (NM_001904.4); short protein forms S45del, S38del.
Identifiers: ClinVar variation 17576 (VCV000017576.4), dbSNP rs587776850, ClinGen allele CA250690.